The following is an entry in ClinVar:

NM_001374385.1(ATP8B1):c.1820-5A>G

Gene: ATP8B1 (ATPase phospholipid transporting 8B1; minus strand). Cytogenetic location: 18q21.31.
Variant type: single nucleotide variant.
Coding change: c.1820-5A>G on transcript NM_001374385.1 (MANE Select); 5 bases into the intron before coding-DNA position 1820, A replaced by G.
Molecular consequence: intron variant.
Genome position (GRCh38, 1-based): chr18:57,671,585, T>C on the plus strand (A>G on the coding strand, the complement: ATP8B1 is on the minus strand). VCF-style: chr18-57671585-T-C. GRCh37 (hg19) VCF-style: chr18-55338817-T-C.
Other names: c.1820-5A>G (NM_005603.6); c.1670-5A>G (NM_001374386.1).
Identifiers: ClinVar variation 3045286 (VCV003045286.2), dbSNP rs2511695236, ClinGen allele CA2740091812.

ClinVar aggregate classification (germline): Likely benign (0 of 4 stars; one submission).

Conditions:
ATP8B1-related disorder. Also called: ATP8B1-related disorders; ATP8B1-related condition.

Submission:

PreventionGenetics, part of Exact Sciences
Classification: Likely benign for ATP8B1-related condition. Last evaluated: 2023-02-06. Review status: no assertion criteria provided. Collection method: clinical testing. Allele origin: germline.
Comment: This variant is classified as likely benign based on ACMG/AMP sequence variant interpretation guidelines (Richards et al. 2015 PMID: 25741868, with internal and published modifications).